The following is an entry in ClinVar:

NM_024753.5(TTC21B):c.3697G>C (p.Ala1233Pro)

Gene: TTC21B (tetratricopeptide repeat domain 21B; minus strand). Cytogenetic location: 2q24.3.
Variant type: single nucleotide variant.
Coding change: c.3697G>C on transcript NM_024753.5 (MANE Select); coding-DNA position 3697, G replaced by C.
Protein change: p.Ala1233Pro; replaces alanine 1233 with proline.
Molecular consequence: missense variant.
Genome position (GRCh38, 1-based): chr2:165,880,787, C>G on the plus strand (G>C on the coding strand, the complement: TTC21B is on the minus strand). VCF-style: chr2-165880787-C-G. GRCh37 (hg19) VCF-style: chr2-166737297-C-G.
Other names: short protein forms A1233P.
Identifiers: ClinVar variation 2111890 (VCV002111890.4), dbSNP rs2468104392, ClinGen allele CA349046053.

ClinVar aggregate classification (germline): Uncertain significance (1 of 4 stars; one submission).

Conditions:
Jeune thoracic dystrophy. Also called: Jeune syndrome; Infantile thoracic dystrophy; Thoracic pelvic phalangeal dystrophy; Jeune's syndrome; Chondroectodermal dysplasia-like syndrome; Short-rib thoracic dysplasia. Identifiers: Orphanet 474, MedGen C0265275, MONDO:0018770.
Nephronophthisis. Also called: Juvenile Nephronophthisis. Identifiers: Orphanet 655, MedGen C0687120, MONDO:0019005, HP:0000090.

Submission:

Labcorp Genetics (formerly Invitae), Labcorp
Classification: Uncertain significance for Jeune thoracic dystrophy; Nephronophthisis. Last evaluated: 2022-03-14. Review status: criteria provided, single submitter. Criteria: Invitae Variant Classification Sherloc (09022015). Collection method: clinical testing. Allele origin: germline.
Comment: This variant is not present in population databases (gnomAD no frequency). This sequence change replaces alanine, which is neutral and non-polar, with proline, which is neutral and non-polar, at codon 1233 of the TTC21B protein (p.Ala1233Pro). This variant has not been reported in the literature in individuals affected with TTC21B-related conditions. Algorithms developed to predict the effect of missense changes on protein structure and function (SIFT, PolyPhen-2, Align-GVGD) all suggest that this variant is likely to be disruptive. In summary, the available evidence is currently insufficient to determine the role of this variant in disease. Therefore, it has been classified as a Variant of Uncertain Significance.